The following is an entry in ClinVar:

ClinVar aggregate classification (germline): Uncertain significance. Review status: criteria provided, multiple submitters, no conflicts (2 of 4 stars). 2 submissions from 2 submitters: Uncertain significance (2). Last evaluated 2024-10-08.

Conditions:
Cryptosporidiosis-chronic cholangitis-liver disease syndrome. Also called: IL21R immunodeficiency; Immunodeficiency type 56. Identifiers: Orphanet 357329, MedGen C3554687, MONDO:0014082, OMIM 615207.
Inborn genetic diseases. Identifiers: MedGen C0950123, MeSH D030342.

Allele frequency attached by ClinVar (database versions not stated): gnomAD 0.00001.
gnomAD v4.1: 12 of 1,613,488 alleles (0.00074%); highest among the groups gnomAD compares: South Asian, 0.0022%; no homozygotes.

Submissions (2):

Labcorp Genetics (formerly Invitae), Labcorp
Classification: Uncertain significance for Cryptosporidiosis-chronic cholangitis-liver disease syndrome. Last evaluated: 2024-10-08. Review status: criteria provided, single submitter. Criteria: Invitae Variant Classification Sherloc (09022015). Collection method: clinical testing. Allele origin: germline.
Comment: This sequence change replaces arginine, which is basic and polar, with tryptophan, which is neutral and slightly polar, at codon 369 of the IL21R protein (p.Arg369Trp). This variant is present in population databases (no rsID available, gnomAD 0.003%). This variant has not been reported in the literature in individuals affected with IL21R-related conditions. ClinVar contains an entry for this variant (Variation ID: 1505440). Invitae Evidence Modeling of protein sequence and biophysical properties (such as structural, functional, and spatial information, amino acid conservation, physicochemical variation, residue mobility, and thermodynamic stability) indicates that this missense variant is expected to disrupt IL21R protein function with a positive predictive value of 80%. In summary, the available evidence is currently insufficient to determine the role of this variant in disease. Therefore, it has been classified as a Variant of Uncertain Significance.

Ambry Genetics
Classification: Uncertain significance for Inborn genetic diseases. Last evaluated: 2024-07-02. Review status: criteria provided, single submitter. Criteria: Ambry Variant Classification Scheme 2023. Collection method: clinical testing. Allele origin: germline.

NM_181078.3(IL21R):c.1105C>T (p.Arg369Trp)

Genes: IL21R (interleukin 21 receptor; plus strand), IL21R-AS1 (IL21R antisense RNA 1; minus strand). Cytogenetic location: 16p12.1.
Variant type: single nucleotide variant.
Coding change: c.1105C>T on transcript NM_181078.3 (MANE Select); coding-DNA position 1105, C replaced by T.
Protein change: p.Arg369Trp; replaces arginine 369 with tryptophan.
Molecular consequence: missense variant. On other transcripts: non-coding transcript variant (1).
Genome position (GRCh38, 1-based): chr16:27,448,771, C>T. VCF-style: chr16-27448771-C-T. GRCh37 (hg19) VCF-style: chr16-27460092-C-T.
Other names: c.1105C>T, p.Arg369Trp (NM_021798.4); c.1171C>T, p.Arg391Trp (NM_181079.5); c.1171C>T (NM_181079.4); short protein forms R369W, R391W.
Identifiers: ClinVar variation 1505440 (VCV001505440.9), dbSNP rs771285932, ClinGen allele CA395307272.